The following is an entry in ClinVar:

ClinVar aggregate classification (germline): Pathogenic (1 of 4 stars; one submission).

Conditions:
Alstrom syndrome (ALMS). Identifiers: Orphanet 64, MedGen C0268425, MONDO:0008763, OMIM 203800.

Submission:

Labcorp Genetics (formerly Invitae), Labcorp
Classification: Pathogenic for Alstrom syndrome. Last evaluated: 2024-03-06. Review status: criteria provided, single submitter. Criteria: Invitae Variant Classification Sherloc (09022015). Collection method: clinical testing. Allele origin: germline.
Comment: This sequence change creates a premature translational stop signal (p.Leu3190Thrfs*6) in the ALMS1 gene. It is expected to result in an absent or disrupted protein product. Loss-of-function variants in ALMS1 are known to be pathogenic (PMID: 17594715). This variant is not present in population databases (gnomAD no frequency). This variant has not been reported in the literature in individuals affected with ALMS1-related conditions. For these reasons, this variant has been classified as Pathogenic.

Literature cited by the submitters: PubMed 17594715.

NM_001378454.1(ALMS1):c.9563dup (p.Leu3189fs)

Gene: ALMS1 (ALMS1 centrosome and basal body associated protein; plus strand). Cytogenetic location: 2p13.1.
Variant type: Duplication.
Coding change: c.9563dup on transcript NM_001378454.1 (MANE Select); coding-DNA position 9563, one base duplicated (C; older notation c.9563dupC).
Protein change: p.Leu3189fs; shifts the reading frame from leucine 3189.
Molecular consequence: frameshift variant.
Genome position (GRCh38, 1-based): chr2:73,519,798, C duplicated; the last of 4 consecutive C bases (chr2:73,519,795-73,519,798); duplicating any one gives the same sequence. VCF-style (leftmost placement, unchanged base first): chr2-73519794-A-AC. GRCh37 (hg19) VCF-style: chr2-73746921-A-AC.
Other names: c.9566dup, p.Leu3190fs (NM_015120.4); short protein forms L3189fs, L3190fs.
Identifiers: ClinVar variation 3643734 (VCV003643734.3).
Genomic context (GRCh38, chr2:73,519,794, plus strand): 5'-CAAGGATATAATCTGCTGTATTCTTTCTCTTTTTTGGTCAGATTACCAGAGAAGATGAAG[A>AC]CCCCACTTTCTGCTTTCTCTGAAAAATTGTCATCTGATGCAGTCACTCAGATAACAACAG-3'